The following is an entry in ClinVar:

ClinVar aggregate classification (germline): Likely benign (1 of 4 stars; one submission).

Submission:

CeGaT Center for Human Genetics Tuebingen
Classification: Likely benign. Last evaluated: 2026-08-01. Review status: criteria provided, single submitter. Criteria: CeGaT Center For Human Genetics Tuebingen Variant Classification Criteria Version 2. Collection method: clinical testing. Allele origin: germline. Affected: yes. Observed: 1 variant allele.
Comment: STAMBP: PM2:Supporting, BP4, BP7

NM_213622.4(STAMBP):c.1089A>G (p.Val363=)

Gene: STAMBP (STAM binding protein; plus strand). Cytogenetic location: 2p13.1.
Variant type: single nucleotide variant.
Coding change: c.1089A>G on transcript NM_213622.4 (MANE Select); coding-DNA position 1089, A replaced by G.
Protein change: p.Val363=; no amino-acid change (valine 363 retained).
Molecular consequence: synonymous variant. On other transcripts: non-coding transcript variant (4).
Genome position (GRCh38, 1-based): chr2:73,859,337, A>G. VCF-style: chr2-73859337-A-G. GRCh37 (hg19) VCF-style: chr2-74086464-A-G.
Other names: c.1089A>G, p.Val363= (NM_001353967.2, NM_001353968.2, NM_001353969.2 and 4 more transcripts); c.684A>G, p.Val228= (NM_001353971.2, NM_001353972.2, NM_001353973.2 and 3 more transcripts).
Identifiers: ClinVar variation 5040584 (VCV005040584.1).